The following is an entry in ClinVar:

ClinVar aggregate classification (germline): Uncertain significance. Review status: criteria provided, multiple submitters, no conflicts (2 of 4 stars). 2 submissions from 2 submitters: Uncertain significance (2). Last evaluated 2026-01-05.

Conditions:
Inborn genetic diseases. Identifiers: MedGen C0950123, MeSH D030342.
Perlman syndrome (PRLMNS). Identifiers: Orphanet 2849, MedGen C0796113, MONDO:0009965, OMIM 267000.

Allele frequency attached by ClinVar (database versions not stated): gnomAD exomes below 0.00001; ExAC 0.00001; gnomAD 0.00001.
gnomAD v4.1: 2 of 1,354,740 alleles (0.00015%); highest among the groups gnomAD compares: Non-Finnish European, 0.0002%; no homozygotes.

Submissions (2):

Labcorp Genetics (formerly Invitae), Labcorp
Classification: Uncertain significance for Perlman syndrome. Last evaluated: 2026-01-05. Review status: criteria provided, single submitter. Criteria: Invitae Variant Classification Sherloc (09022015). Collection method: clinical testing. Allele origin: germline.
Comment: This sequence change replaces asparagine, which is neutral and polar, with serine, which is neutral and polar, at codon 590 of the DIS3L2 protein (p.Asn590Ser). The frequency data for this variant in the population databases is considered unreliable, as metrics indicate poor data quality at this position in the gnomAD database. This variant has not been reported in the literature in individuals affected with DIS3L2-related conditions. ClinVar contains an entry for this variant (Variation ID: 531943). Invitae Evidence Modeling of protein sequence and biophysical properties (such as structural, functional, and spatial information, amino acid conservation, physicochemical variation, residue mobility, and thermodynamic stability) has been performed for this missense variant. However, the output from this modeling did not meet the statistical confidence thresholds required to predict the impact of this variant on DIS3L2 protein function. RNA analysis performed to evaluate the impact of this missense change on mRNA splicing indicates it does not significantly alter splicing (internal data). In summary, the available evidence is currently insufficient to determine the role of this variant in disease. Therefore, it has been classified as a Variant of Uncertain Significance.

Ambry Genetics
Classification: Uncertain significance for Inborn genetic diseases. Last evaluated: 2023-05-31. Review status: criteria provided, single submitter. Criteria: Ambry Variant Classification Scheme 2023. Collection method: clinical testing. Allele origin: germline.

NM_152383.5(DIS3L2):c.1769A>G (p.Asn590Ser)

Gene: DIS3L2 (DIS3 like 3'-5' exoribonuclease 2; plus strand). Cytogenetic location: 2q37.1.
Variant type: single nucleotide variant.
Coding change: c.1769A>G on transcript NM_152383.5 (MANE Select); coding-DNA position 1769, A replaced by G.
Protein change: p.Asn590Ser; replaces asparagine 590 with serine.
Molecular consequence: missense variant. On other transcripts: intron variant (1).
Genome position (GRCh38, 1-based): chr2:232,329,842, A>G. VCF-style: chr2-232329842-A-G. GRCh37 (hg19) VCF-style: chr2-233194552-A-G.
Other names: c.1582-13503A>G (NM_001257281.2); short protein forms N590S.
Identifiers: ClinVar variation 531943 (VCV000531943.10), dbSNP rs774192220, ClinGen allele CA2164263.